The following is an entry in ClinVar:

NM_000888.5(ITGB6):c.2080A>T (p.Ile694Phe)

Gene: ITGB6 (integrin subunit beta 6; minus strand). Cytogenetic location: 2q24.2.
Variant type: single nucleotide variant.
Coding change: c.2080A>T on transcript NM_000888.5 (MANE Select); coding-DNA position 2080, A replaced by T.
Protein change: p.Ile694Phe; replaces isoleucine 694 with phenylalanine.
Molecular consequence: missense variant.
Genome position (GRCh38, 1-based): chr2:160,112,101, T>A on the plus strand (A>T on the coding strand, the complement: ITGB6 is on the minus strand). VCF-style: chr2-160112101-T-A. GRCh37 (hg19) VCF-style: chr2-160968612-T-A.
Other names: c.2080A>T, p.Ile694Phe (NM_001282353.2); c.1795A>T, p.Ile599Phe (NM_001282354.2); c.1759A>T, p.Ile587Phe (NM_001282355.2); c.1954A>T, p.Ile652Phe (NM_001282388.2); c.1861A>T, p.Ile621Phe (NM_001282389.2); c.1666A>T, p.Ile556Phe (NM_001282390.2); c.2080A>T (NM_000888.4); short protein forms I587F, I599F, I556F, I621F, I652F, I694F.
Identifiers: ClinVar variation 2462526 (VCV002462526.4), dbSNP rs139804091, ClinGen allele CA1929020.

ClinVar aggregate classification (germline): Uncertain significance. Review status: criteria provided, multiple submitters, no conflicts (2 of 4 stars). 2 submissions from 2 submitters: Uncertain significance (2). Last evaluated 2025-05-15.

Conditions:
Inborn genetic diseases. Identifiers: MedGen C0950123, MeSH D030342.

Allele frequency attached by ClinVar (database versions not stated): ESP Exome Variant Server 0.00023.

Submissions (2):

GeneDx
Classification: Uncertain significance. Last evaluated: 2025-05-15. Review status: criteria provided, single submitter. Criteria: GeneDx Variant Classification Process June 2021. Collection method: clinical testing. Allele origin: germline. Affected: yes.
Comment: In silico analysis suggests that this missense variant does not alter protein structure/function; Has not been previously published as pathogenic or benign to our knowledge

Ambry Genetics
Classification: Uncertain significance for Inborn genetic diseases. Last evaluated: 2025-04-25. Review status: criteria provided, single submitter. Criteria: Ambry Variant Classification Scheme 2023. Collection method: clinical testing. Allele origin: germline.